The following is an entry in ClinVar:

NM_145239.3(PRRT2):c.485C>T (p.Thr162Ile)

Genes: MVP-DT (MVP divergent transcript; minus strand), PRRT2 (proline rich transmembrane protein 2; plus strand). Cytogenetic location: 16p11.2.
Variant type: single nucleotide variant.
Coding change: c.485C>T on transcript NM_145239.3 (MANE Select); coding-DNA position 485, C replaced by T.
Protein change: p.Thr162Ile; replaces threonine 162 with isoleucine.
Molecular consequence: missense variant.
Genome position (GRCh38, 1-based): chr16:29,813,539, C>T. VCF-style: chr16-29813539-C-T. GRCh37 (hg19) VCF-style: chr16-29824860-C-T.
Other names: c.485C>T, p.Thr162Ile (NM_001256442.2, NM_001256443.2); short protein forms T162I.
Identifiers: ClinVar variation 582679 (VCV000582679.10), dbSNP rs755440222, ClinGen allele CA7994535.

ClinVar aggregate classification (germline): Uncertain significance (1 of 4 stars; one submission).

Conditions:
Episodic kinesigenic dyskinesia (EKD). Also called: Paroxysmal kinesigenic dyskinesia. Identifiers: Orphanet 98809, MedGen C1868682, MONDO:0044202.

Allele frequency attached by ClinVar (database versions not stated): gnomAD exomes below 0.00001; TOPMed below 0.00001; ExAC 0.00001; gnomAD 0.00001.

Submission:

Labcorp Genetics (formerly Invitae), Labcorp
Classification: Uncertain significance for Episodic kinesigenic dyskinesia. Last evaluated: 2018-05-13. Review status: criteria provided, single submitter. Criteria: Invitae Variant Classification Sherloc (09022015). Collection method: clinical testing. Allele origin: germline.
Comment: This sequence change replaces threonine with isoleucine at codon 162 of the PRRT2 protein (p.Thr162Ile). The threonine residue is moderately conserved and there is a moderate physicochemical difference between threonine and isoleucine. This variant is present in population databases (rs755440222, ExAC 0.01%). This variant has not been reported in the literature in individuals with PRRT2-related disease. In summary, the available evidence is currently insufficient to determine the role of this variant in disease. Therefore, it has been classified as a Variant of Uncertain Significance. Algorithms developed to predict the effect of missense changes on protein structure and function output the following: SIFT: "Deleterious"; PolyPhen-2: "Benign"; Align-GVGD: "Class C0". The isoleucine amino acid residue is found in multiple mammalian species, suggesting that this missense change does not adversely affect protein function. These predictions have not been confirmed by published functional studies and their clinical significance is uncertain.